The following is an entry in ClinVar:

NM_018060.4(IARS2):c.3036dup (p.Ter1013IleextTer?)

Gene: IARS2 (isoleucyl-tRNA synthetase 2, mitochondrial; plus strand). Cytogenetic location: 1q41.
Variant type: Duplication.
Coding change: c.3036dup on transcript NM_018060.4 (MANE Select); coding-DNA position 3036, one base duplicated (A; older notation c.3036dupA).
Protein change: p.Ter1013IleextTer?.
Molecular consequence: frameshift variant, stop lost.
Genome position (GRCh38, 1-based): chr1:220,147,632, A duplicated; the last of 4 consecutive A bases (chr1:220,147,629-220,147,632); duplicating any one gives the same sequence. VCF-style (leftmost placement, unchanged base first): chr1-220147628-G-GA. GRCh37 (hg19) VCF-style: chr1-220320970-G-GA.
Other names: p.*1013Ilee*t*16.
Identifiers: ClinVar variation 1369353 (VCV001369353.4), dbSNP rs770785731, ClinGen allele CA1401918.

ClinVar aggregate classification (germline): Uncertain significance. Review status: criteria provided, multiple submitters, no conflicts (2 of 4 stars). 2 submissions from 2 submitters: Uncertain significance (2). Last evaluated 2025-08-29.

Submissions (2):

Mayo Clinic Laboratories, Mayo Clinic
Classification: Uncertain significance. Last evaluated: 2025-08-29. Review status: criteria provided, single submitter. Criteria: ACMG Guidelines, 2015. Collection method: clinical testing. Allele origin: germline. Observed: 1 variant allele.
Comment: PM2_supporting, PM4

Labcorp Genetics (formerly Invitae), Labcorp
Classification: Uncertain significance. Last evaluated: 2021-07-17. Review status: criteria provided, single submitter. Criteria: Invitae Variant Classification Sherloc (09022015). Collection method: clinical testing. Allele origin: germline.
Comment: This sequence change disrupts the translational stop signal of the IARS2 mRNA. It is expected to extend the length of the IARS2 protein by 16 additional amino acid residues. This variant is present in population databases (rs770785731, ExAC 0.02%). This variant has not been reported in the literature in individuals affected with IARS2-related conditions. Experimental studies and prediction algorithms are not available or were not evaluated, and the functional significance of this variant is currently unknown. In summary, the available evidence is currently insufficient to determine the role of this variant in disease. Therefore, it has been classified as a Variant of Uncertain Significance.